The following is an entry in ClinVar:

ClinVar aggregate classification (germline): Pathogenic/Likely pathogenic. Review status: criteria provided, multiple submitters, no conflicts (2 of 4 stars). 12 submissions from 11 submitters: Pathogenic (7); Likely pathogenic (2). 3 of the submissions do not count toward it. Last evaluated 2025-11-05.

Conditions:
COACH syndrome 2. Identifiers: MedGen C5436837, MONDO:0030859, OMIM 619111.
Joubert syndrome 9 (JBTS9). Identifiers: Orphanet 2318, MedGen C2676788, MONDO:0012849, OMIM 612285.
Meckel syndrome, type 6. Identifiers: Orphanet 564, MedGen C2676790, MONDO:0012848, OMIM 612284.
Retinitis pigmentosa 93. Identifiers: MedGen C5676970, MONDO:0030797, OMIM 619845.
CC2D2A-related disorder. Also called: CC2D2A-related disorders; CC2D2A-related condition. Identifiers: MedGen CN239313.
Joubert syndrome. Also called: JOUBERT-BOLTSHAUSER SYNDROME; Familial aplasia of the vermis. Identifiers: Orphanet 475, MedGen C5979921, MONDO:0018772.
Meckel-Gruber syndrome. Also called: GRUBER SYNDROME; DYSENCEPHALIA SPLANCHNOCYSTICA; Dysencephalia splachnocystica. Identifiers: Orphanet 564, MedGen C0265215, MONDO:0018921.

Allele frequency attached by ClinVar (database versions not stated): gnomAD exomes 0.00001 and 0.00003; TOPMed 0.00001; gnomAD 0.00001.
gnomAD v4.1: 48 of 1,612,876 alleles (0.003%); highest among the groups gnomAD compares: Non-Finnish European, 0.0035%; no homozygotes.

Submissions (12):

Labcorp Genetics (formerly Invitae), Labcorp
Classification: Pathogenic for Joubert syndrome; Meckel-Gruber syndrome. Last evaluated: 2025-11-05. Review status: criteria provided, single submitter. Criteria: Invitae Variant Classification Sherloc (09022015). Collection method: clinical testing. Allele origin: germline.
Comment: This sequence change replaces arginine, which is basic and polar, with cysteine, which is neutral and slightly polar, at codon 1528 of the CC2D2A protein (p.Arg1528Cys). This variant is present in population databases (rs118204052, gnomAD 0.003%). This missense change has been observed in individual(s) with CC2D2A-related conditions (PMID: 18950740, 36319078). ClinVar contains an entry for this variant (Variation ID: 744). Invitae Evidence Modeling of protein sequence and biophysical properties (such as structural, functional, and spatial information, amino acid conservation, physicochemical variation, residue mobility, and thermodynamic stability) indicates that this missense variant is expected to disrupt CC2D2A protein function with a positive predictive value of 80%. Algorithms developed to predict the effect of sequence changes on RNA splicing suggest that this variant may disrupt the consensus splice site. For these reasons, this variant has been classified as Pathogenic.

GeneDx
Classification: Likely pathogenic. Last evaluated: 2025-08-12. Review status: criteria provided, single submitter. Criteria: GeneDx Variant Classification Process June 2021. Collection method: clinical testing. Allele origin: germline. Affected: yes.
Comment: Not observed at significant frequency in large population cohorts (gnomAD); In silico analysis supports that this missense variant has a deleterious effect on protein structure/function; In silico analysis suggests this variant may impact gene splicing. In the absence of RNA/functional studies, the actual effect of this sequence change is unknown.; This variant is associated with the following publications: (PMID: 31964843, 27081510, 22241855, 26092869, 19574260, 18950740)

Fulgent Genetics
Classification: Pathogenic for Meckel syndrome, type 6; Joubert syndrome 9; COACH syndrome 2; Retinitis pigmentosa 93. Last evaluated: 2024-01-24. Review status: criteria provided, single submitter. Criteria: ACMG Guidelines, 2015. Collection method: clinical testing. Allele origin: germline.

Women's Health and Genetics/Laboratory Corporation of America, LabCorp
Classification: Pathogenic for Meckel syndrome, type 6. Last evaluated: 2023-05-15. Review status: criteria provided, single submitter. Criteria: LabCorp Variant Classification Summary - May 2015. Collection method: clinical testing. Allele origin: germline.
Comment: Variant summary: CC2D2A c.4582C>T (p.Arg1528Cys) results in a non-conservative amino acid change in the encoded protein sequence. Five of five in-silico tools predict a damaging effect of the variant on protein function. The variant allele was found at a frequency of 8e-06 in 248638 control chromosomes. c.4582C>T has been reported in the literature as a homozygous or compound heterozygous genotype in multiple individuals affected with features of Ciliopathies such as Joubert Syndrome/Meckel Syndrome (example, Bachmann-Gagescu_2015, Gorden_2008). These data indicate that the variant is very likely to be associated with disease. To our knowledge, no experimental evidence demonstrating an impact on protein function has been reported. The following publications have been ascertained in the context of this evaluation (PMID: 26092869, 18950740). Three clinical diagnostic laboratories have submitted clinical-significance assessments for this variant to ClinVar after 2014 without evidence for independent evaluation. All laboratories classified the variant as pathogenic/likely pathogenic. Based on the evidence outlined above, the variant was classified as pathogenic.

Revvity Omics, Revvity
Classification: Pathogenic. Last evaluated: 2022-04-14. Review status: criteria provided, single submitter. Criteria: ACMG Guidelines, 2015. Collection method: clinical testing. Allele origin: germline.

Blueprint Genetics
Classification: Pathogenic for CC2D2A-related disorders. Last evaluated: 2022-04-05. Review status: criteria provided, single submitter. Criteria: ACMG Guidelines, 2015. Collection method: clinical testing. Allele origin: germline. Affected: yes. Observed: 5 variant alleles.

Genetics and Genomic Medicine Centre, NeuroGen Healthcare, NeuroGen Healthcare
Classification: Pathogenic for COACH syndrome 2. Last evaluated: 2020-03-23. Review status: criteria provided, single submitter. Criteria: Submitter's publication. Collection method: clinical testing. Allele origin: unknown. Affected: no.

UW Hindbrain Malformation Research Program, University of Washington
Classification: Pathogenic for Joubert syndrome 9. Last evaluated: 2015-02-23. Review status: criteria provided, single submitter. Criteria: Bachmann-Gagescu et al. (J Med Genet. 2015). Collection method: research. Allele origin: unknown. Affected: yes.

Kariminejad - Najmabadi Pathology & Genetics Center
Classification: Likely pathogenic for COACH syndrome 2. Review status: criteria provided, single submitter. Criteria: ACMG Guidelines, 2015. Collection method: clinical testing. Allele origin: germline. Affected: no.

PreventionGenetics, part of Exact Sciences
Classification: Likely pathogenic for CC2D2A-related condition. Last evaluated: 2024-06-11. Review status: no assertion criteria provided. Collection method: clinical testing. Allele origin: germline. Not counted in ClinVar's aggregate classification.
Comment: The CC2D2A c.4582C>T variant is predicted to result in the amino acid substitution p.Arg1528Cys. This variant has been reported in the homozygous or compound heterozygous state in individuals with Joubert syndrome (Gorden et al. 2008. PubMed ID: 18950740; Table S5, Bachmann-Gagescu et al. 2015. PubMed ID: 26092869). This variant is reported in 0.0029% of alleles in individuals of Latino descent in gnomAD. A different nucleotide substitution affecting the same amino acid (p.Arg1528His) has been reported in an individual with Joubert syndrome or related disorders (Ben-Salem et al. 2014. PubMed ID: 27081510). Taken together, the c.4582C>T (p.Arg1528Cys) variant is interpreted as likely pathogenic.

OMIM
Classification: Pathogenic for JOUBERT SYNDROME 9. Last evaluated: 2010-01-01. Review status: no assertion criteria provided. Collection method: literature only. Allele origin: germline. Not counted in ClinVar's aggregate classification.

OMIM
Classification: Pathogenic for COACH SYNDROME 2. Last evaluated: 2010-01-01. Review status: no assertion criteria provided. Collection method: literature only. Allele origin: germline. Not counted in ClinVar's aggregate classification.

Literature cited by the submitters: PubMed 18950740 (cited by 3 submitters); PubMed 36319078 (cited by Labcorp Genetics (formerly Invitae), Labcorp); PubMed 26092869 (cited by Women's Health and Genetics/Laboratory Corporation of America, LabCorp); PubMed 19574260 (cited by OMIM).

NM_001378615.1(CC2D2A):c.4582C>T (p.Arg1528Cys)

Genes: CC2D2A (coiled-coil and C2 domain containing 2A; plus strand), FBXL5 (F-box and leucine rich repeat protein 5; minus strand). Cytogenetic location: 4p15.32.
Variant type: single nucleotide variant.
Coding change: c.4582C>T on transcript NM_001378615.1 (MANE Select); coding-DNA position 4582, C replaced by T.
Protein change: p.Arg1528Cys; replaces arginine 1528 with cysteine.
Molecular consequence: missense variant.
Genome position (GRCh38, 1-based): chr4:15,599,614, C>T. VCF-style: chr4-15599614-C-T. GRCh37 (hg19) VCF-style: chr4-15601237-C-T.
Other names: c.4582C>T, p.Arg1528Cys (NM_001080522.2); c.4435C>T, p.Arg1479Cys (NM_001378617.1); short protein forms R1528C, R1479C.
Identifiers: ClinVar variation 744 (VCV000000744.19), dbSNP rs118204052, ClinGen allele CA114471.